The following is an entry in ClinVar:

NM_001372.4(DNAH9):c.1613C>T (p.Pro538Leu)

Gene: DNAH9 (dynein axonemal heavy chain 9; plus strand). Cytogenetic location: 17p12.
Variant type: single nucleotide variant.
Coding change: c.1613C>T on transcript NM_001372.4 (MANE Select); coding-DNA position 1613, C replaced by T.
Protein change: p.Pro538Leu; replaces proline 538 with leucine.
Molecular consequence: missense variant.
Genome position (GRCh38, 1-based): chr17:11,632,681, C>T. VCF-style: chr17-11632681-C-T. GRCh37 (hg19) VCF-style: chr17-11535998-C-T.
Other names: c.1613C>T (NM_001372.3); short protein forms P538L.
Identifiers: ClinVar variation 1987327 (VCV001987327.2), dbSNP rs146479139, ClinGen allele CA8394909.

ClinVar aggregate classification (germline): Uncertain significance. Review status: criteria provided, multiple submitters, no conflicts (2 of 4 stars). 2 submissions from 2 submitters: Uncertain significance (2). Last evaluated 2025-08-12.

Conditions:
Inborn genetic diseases. Identifiers: MedGen C0950123, MeSH D030342.

Allele frequency attached by ClinVar (database versions not stated): gnomAD 0.00001; 1000 Genomes Project 30x 0.00016; 1000 Genomes Project 0.00020.
gnomAD v4.1: 23 of 1,599,308 alleles (0.0014%); highest among the groups gnomAD compares: Non-Finnish European, 0.0015%; no homozygotes.

Submissions (2):

Ambry Genetics
Classification: Uncertain significance for Inborn genetic diseases. Last evaluated: 2025-08-12. Review status: criteria provided, single submitter. Criteria: Ambry Variant Classification Scheme 2023. Collection method: clinical testing. Allele origin: germline.

Labcorp Genetics (formerly Invitae), Labcorp
Classification: Uncertain significance. Last evaluated: 2022-05-15. Review status: criteria provided, single submitter. Criteria: Invitae Variant Classification Sherloc (09022015). Collection method: clinical testing. Allele origin: germline.
Comment: This sequence change replaces proline, which is neutral and non-polar, with leucine, which is neutral and non-polar, at codon 538 of the DNAH9 protein (p.Pro538Leu). This variant is present in population databases (rs146479139, gnomAD 0.003%). This variant has not been reported in the literature in individuals affected with DNAH9-related conditions. Algorithms developed to predict the effect of missense changes on protein structure and function (SIFT, PolyPhen-2, Align-GVGD) all suggest that this variant is likely to be tolerated. In summary, the available evidence is currently insufficient to determine the role of this variant in disease. Therefore, it has been classified as a Variant of Uncertain Significance.